The following is an entry in ClinVar:

ClinVar aggregate classification (germline): Uncertain significance (1 of 4 stars; one submission).

Submission:

Labcorp Genetics (formerly Invitae), Labcorp
Classification: Uncertain significance. Last evaluated: 2022-10-27. Review status: criteria provided, single submitter. Criteria: Invitae Variant Classification Sherloc (09022015). Collection method: clinical testing. Allele origin: germline.
Comment: In summary, the available evidence is currently insufficient to determine the role of this variant in disease. Therefore, it has been classified as a Variant of Uncertain Significance. Algorithms developed to predict the effect of missense changes on protein structure and function (SIFT, PolyPhen-2, Align-GVGD) all suggest that this variant is likely to be tolerated. This variant has not been reported in the literature in individuals affected with TBC1D8B-related conditions. This variant is not present in population databases (gnomAD no frequency). This sequence change replaces lysine, which is basic and polar, with glutamic acid, which is acidic and polar, at codon 976 of the TBC1D8B protein (p.Lys976Glu).

NM_017752.3(TBC1D8B):c.2926A>G (p.Lys976Glu)

Gene: TBC1D8B (TBC1 domain family member 8B; plus strand). Cytogenetic location: Xq22.3.
Variant type: single nucleotide variant.
Coding change: c.2926A>G on transcript NM_017752.3 (MANE Select); coding-DNA position 2926, A replaced by G.
Protein change: p.Lys976Glu; replaces lysine 976 with glutamic acid.
Molecular consequence: missense variant.
Genome position (GRCh38, 1-based): chrX:106,870,772, A>G. VCF-style: chrX-106870772-A-G. GRCh37 (hg19) VCF-style: chrX-106114002-A-G.
Other names: short protein forms K976E.
Identifiers: ClinVar variation 1956980 (VCV001956980.5), dbSNP rs2521706988, ClinGen allele CA413824165.